The following is an entry in ClinVar:

NM_003801.4(GPAA1):c.849G>A (p.Pro283=)

Gene: GPAA1 (glycosylphosphatidylinositol anchor attachment 1; plus strand). Cytogenetic location: 8q24.3.
Variant type: single nucleotide variant.
Coding change: c.849G>A on transcript NM_003801.4 (MANE Select); coding-DNA position 849, G replaced by A.
Protein change: p.Pro283=; no amino-acid change (proline 283 retained).
Molecular consequence: synonymous variant.
Genome position (GRCh38, 1-based): chr8:144,084,448, G>A. VCF-style: chr8-144084448-G-A. GRCh37 (hg19) VCF-style: chr8-145139351-G-A.
Identifiers: ClinVar variation 1170568 (VCV001170568.32), dbSNP rs180925747, ClinGen allele CA4932955.
Genomic context (GRCh38, chr8:144,084,448, plus strand): 5'-CTCATCCTGTCCTGCACCTCTAAAGCTGCAGCCCGAGGACTGGACATCATTGGATGGACC[G>A]CTGCAGGGCCTGCAGACACTGCTGCTCATGGTTCTGCGGCAGGCCTCCGGCCGCCCCCAC-3'
Protein context (NP_003792.1, residues 273-293): QPEDWTSLDG[Pro283=]LQGLQTLLLM

ClinVar aggregate classification (germline): Benign/Likely benign. Review status: criteria provided, multiple submitters, no conflicts (2 of 4 stars). 3 submissions from 3 submitters: Benign (2); Likely benign (1). Last evaluated 2026-07-01.

Allele frequency attached by ClinVar (database versions not stated): ESP Exome Variant Server 0.00008; gnomAD 0.00017 and 0.00043; TOPMed 0.00021; gnomAD exomes 0.00072 and 0.00124; ExAC 0.00146; 1000 Genomes Project 30x 0.00234; 1000 Genomes Project 0.00240.
gnomAD v4.1: 1,119 of 1,612,638 alleles (0.069%); highest among the groups gnomAD compares: South Asian, 0.95%; 23 homozygotes.

Submissions (3):

CeGaT Center for Human Genetics Tuebingen
Classification: Likely benign. Last evaluated: 2026-07-01. Review status: criteria provided, single submitter. Criteria: CeGaT Center For Human Genetics Tuebingen Variant Classification Criteria Version 2. Collection method: clinical testing. Allele origin: germline. Affected: yes. Observed: 4 variant alleles.
Comment: GPAA1: BP4, BS2

Labcorp Genetics (formerly Invitae), Labcorp
Classification: Benign. Last evaluated: 2026-01-19. Review status: criteria provided, single submitter. Criteria: Invitae Variant Classification Sherloc (09022015). Collection method: clinical testing. Allele origin: germline.

Breakthrough Genomics
Classification: Benign. Review status: criteria provided, single submitter. Criteria: ACMG Guidelines, 2015. Collection method: not provided. Allele origin: germline. Inheritance: Autosomal recessive inheritance. Affected: yes.